The following is an entry in ClinVar:

NM_001009944.3(PKD1):c.12386T>G (p.Met4129Arg)

Gene: PKD1 (polycystin 1, transient receptor potential channel interacting; minus strand). Cytogenetic location: 16p13.3.
Variant type: single nucleotide variant.
Coding change: c.12386T>G on transcript NM_001009944.3 (MANE Select); coding-DNA position 12386, T replaced by G.
Protein change: p.Met4129Arg; replaces methionine 4129 with arginine.
Molecular consequence: missense variant.
Genome position (GRCh38, 1-based): chr16:2,090,343, A>C on the plus strand (T>G on the coding strand, the complement: PKD1 is on the minus strand). VCF-style: chr16-2090343-A-C. GRCh37 (hg19) VCF-style: chr16-2140344-A-C.
Other names: c.12383T>G, p.Met4128Arg (NM_000296.4); short protein forms M4129R, M4128R.
Identifiers: ClinVar variation 873393 (VCV000873393.2), dbSNP rs2091436717, ClinGen allele CA394324884.
Genomic context (GRCh38, chr16:2,090,343, plus strand): 5'-ACCTCCTTGACCTTGCTGAGGCCCATCCAGAGGCGCAGCCTGCGCAGGAACAACTCCACC[A>C]TCTCGTAGTCCTGGGGCTCCCAGGCCGGCCGGTACAGCTCTCCACGCAAGGCGTGGTAGC-3'
Protein context (NP_001009944.3, residues 4119-4139): RPAWEPQDYE[Met4129Arg]VELFLRRLRL

ClinVar aggregate classification (germline): Uncertain significance. Review status: criteria provided, multiple submitters, no conflicts (2 of 4 stars). 2 submissions from 2 submitters: Uncertain significance (2). Last evaluated 2024-06-18.

Conditions:
Polycystic kidney disease, adult type (PKD1). Also called: POLYCYSTIC KIDNEY DISEASE 1 WITH OR WITHOUT POLYCYSTIC LIVER DISEASE; Polycystic Kidney Disease 1, Autosomal Dominant; Polycystic kidney disease 1; Polycystic kidney disease 1, severe; Polycystic Kidney, Autosomal Dominant; POLYCYSTIC KIDNEY DISEASE, ADULT, TYPE I. Identifiers: MedGen C3149841, MONDO:0008263, OMIM 173900.

Submissions (2):

Fulgent Genetics
Classification: Uncertain significance for Polycystic kidney disease, adult type. Last evaluated: 2024-06-18. Review status: criteria provided, single submitter. Criteria: ACMG Guidelines, 2015. Collection method: clinical testing. Allele origin: germline.

Cavalleri Lab, Royal College of Surgeons in Ireland
Classification: Uncertain significance for Polycystic kidney disease, adult type. Last evaluated: 2020-02-05. Review status: criteria provided, single submitter. Criteria: ACMG Guidelines, 2015. Collection method: research. Allele origin: unknown. Inheritance: Autosomal dominant inheritance. Affected: yes.
Comment: PM2, PP3, PP4